The following is an entry in ClinVar:

ClinVar aggregate classification (germline): Pathogenic. Review status: criteria provided, multiple submitters, no conflicts (2 of 4 stars). 2 submissions from 2 submitters: Pathogenic (2). Last evaluated 2023-01-17.

Conditions:
Peutz-Jeghers syndrome (PJS). Also called: Peutz-Jeghers polyposis; Periorificial lentiginosis syndrome; POLYPOSIS, HAMARTOMATOUS INTESTINAL; POLYPS-AND-SPOTS SYNDROME. Identifiers: Orphanet 2869, MedGen C0031269, MeSH D010580, MONDO:0008280, OMIM 175200.

Submissions (2):

Myriad Genetics, Inc.
Classification: Pathogenic for Peutz-Jeghers syndrome. Last evaluated: 2023-01-17. Review status: criteria provided, single submitter. Criteria: Myriad Autosomal Dominant, Autosomal Recessive and X-Linked Classification Criteria (2023). Collection method: clinical testing. Allele origin: unknown.
Comment: This variant is considered pathogenic. This variant creates a termination codon and is predicted to result in premature protein truncation.

GeneDx
Classification: Pathogenic. Last evaluated: 2020-11-12. Review status: criteria provided, single submitter. Criteria: GeneDx Variant Classification Process June 2021. Collection method: clinical testing. Allele origin: germline. Affected: yes.
Comment: Nonsense variant predicted to result in protein truncation or nonsense mediated decay in a gene for which loss-of-function is a known mechanism of disease; Not observed in large population cohorts (Lek et al., 2016); Observed in an individual with an ovarian sex cord tumor with annular tubules (SCTAT) and a family history of Peutz-Jeghers syndrome (Connolly 2000); This variant is associated with the following publications: (PMID: 10623683, 25525159)

NM_000455.5(STK11):c.766G>T (p.Glu256Ter)

Gene: STK11 (serine/threonine kinase 11; plus strand). Cytogenetic location: 19p13.3.
Variant type: single nucleotide variant.
Coding change: c.766G>T on transcript NM_000455.5 (MANE Select); coding-DNA position 766, G replaced by T.
Protein change: p.Glu256Ter; replaces glutamic acid 256 with a stop codon.
Molecular consequence: nonsense.
Genome position (GRCh38, 1-based): chr19:1,221,244, G>T. VCF-style: chr19-1221244-G-T. GRCh37 (hg19) VCF-style: chr19-1221243-G-T.
Other names: short protein forms E256*.
Identifiers: ClinVar variation 379470 (VCV000379470.4), dbSNP rs1057520606, ClinGen allele CA16608830.